The following is an entry in ClinVar:

NM_006486.3(FBLN1):c.79+6G>A

Gene: FBLN1 (fibulin 1; plus strand). Cytogenetic location: 22q13.31.
Variant type: single nucleotide variant.
Coding change: c.79+6G>A on transcript NM_006486.3 (MANE Select); 6 bases into the intron after coding-DNA position 79, G replaced by A.
Molecular consequence: intron variant.
Genome position (GRCh38, 1-based): chr22:45,503,070, G>A. VCF-style: chr22-45503070-G-A. GRCh37 (hg19) VCF-style: chr22-45898950-G-A.
Other names: c.79+6G>A (NM_006485.4, NM_001996.4, NM_006487.3).
Identifiers: ClinVar variation 3031313 (VCV003031313.2), dbSNP rs2518125760, ClinGen allele CA2657283096.
Genomic context (GRCh38, chr22:45,503,070, plus strand): 5'-CGGGTCCCGCTTCCGCTGCTGCTGCTCGGCGGCCTTGCGCTGCTGGCGGCCGGAGGTAGG[G>A]GCGTCCCGGGTCCGCCGCCCCAGCTTAGGGTCCCGACCCCCTCGGCCTCGCGCTCCCTGC-3'

ClinVar aggregate classification (germline): Likely benign (0 of 4 stars; one submission).

Conditions:
FBLN1-related disorder. Also called: FBLN1-related condition.

Submission:

PreventionGenetics, part of Exact Sciences
Classification: Likely benign for FBLN1-related condition. Last evaluated: 2021-02-22. Review status: no assertion criteria provided. Collection method: clinical testing. Allele origin: germline.
Comment: This variant is classified as likely benign based on ACMG/AMP sequence variant interpretation guidelines (Richards et al. 2015 PMID: 25741868, with internal and published modifications).